The following is an entry in ClinVar:

ClinVar aggregate classification (germline): Uncertain significance. Review status: criteria provided, multiple submitters, no conflicts (2 of 4 stars). 2 submissions from 2 submitters: Uncertain significance (2). Last evaluated 2025-11-08.

Conditions:
Hereditary cancer-predisposing syndrome. Also called: Neoplastic Syndromes, Hereditary; Tumor predisposition; Hereditary Cancer Syndrome; Hereditary neoplastic syndrome. Identifiers: Orphanet 140162, MedGen C0027672, MeSH D009386, MONDO:0015356.
Ataxia-telangiectasia syndrome (AT). Also called: Ataxia telangiectasia (A-T); ATAXIA-TELANGIECTASIA, COMPLEMENTATION GROUP A; ATAXIA-TELANGIECTASIA, FRESNO VARIANT; Ataxia-telangiectasia; Ataxia-telangiectasia, complementation group E; LOUIS-BAR SYNDROME. Identifiers: Orphanet 100, MedGen C0004135, MONDO:0008840, OMIM 208900.

Allele frequency attached by ClinVar (database versions not stated): ExAC 0.00001.

Submissions (2):

Ambry Genetics
Classification: Uncertain significance for Hereditary cancer-predisposing syndrome. Last evaluated: 2025-11-08. Review status: criteria provided, single submitter. Criteria: Ambry Variant Classification Scheme 2023. Collection method: clinical testing. Allele origin: germline.
Comment: The p.L2163R variant (also known as c.6488T>G), located in coding exon 44 of the ATM gene, results from a T to G substitution at nucleotide position 6488. The leucine at codon 2163 is replaced by arginine, an amino acid with dissimilar properties. This amino acid position is highly conserved in available vertebrate species. In addition, this alteration is predicted to be deleterious by in silico analysis. Since supporting evidence is limited at this time, the clinical significance of this alteration remains unclear.

Labcorp Genetics (formerly Invitae), Labcorp
Classification: Uncertain significance for Ataxia-telangiectasia syndrome. Last evaluated: 2020-04-03. Review status: criteria provided, single submitter. Criteria: Invitae Variant Classification Sherloc (09022015). Collection method: clinical testing. Allele origin: germline.
Comment: In summary, the available evidence is currently insufficient to determine the role of this variant in disease. Therefore, it has been classified as a Variant of Uncertain Significance. Algorithms developed to predict the effect of sequence changes on RNA splicing suggest that this variant may create or strengthen a splice site, but this prediction has not been confirmed by published transcriptional studies. Algorithms developed to predict the effect of missense changes on protein structure and function (SIFT, PolyPhen-2, Align-GVGD) all suggest that this variant is likely to be disruptive, but these predictions have not been confirmed by published functional studies and their clinical significance is uncertain. This variant has not been reported in the literature in individuals with ATM-related conditions. This variant is present in population databases (rs779742477, ExAC 0.001%). This sequence change replaces leucine with arginine at codon 2163 of the ATM protein (p.Leu2163Arg). The leucine residue is highly conserved and there is a moderate physicochemical difference between leucine and arginine.

NM_000051.4(ATM):c.6488T>G (p.Leu2163Arg)

Genes: ATM (ATM serine/threonine kinase; plus strand), C11orf65 (chromosome 11 open reading frame 65; minus strand). Cytogenetic location: 11q22.3.
Variant type: single nucleotide variant.
Coding change: c.6488T>G on transcript NM_000051.4 (MANE Select); coding-DNA position 6488, T replaced by G.
Protein change: p.Leu2163Arg; replaces leucine 2163 with arginine.
Molecular consequence: missense variant. On other transcripts: intron variant (2).
Genome position (GRCh38, 1-based): chr11:108,321,336, T>G. VCF-style: chr11-108321336-T-G. GRCh37 (hg19) VCF-style: chr11-108192063-T-G.
Other names: c.6488T>G, p.Leu2163Arg (NM_001351834.2); c.641-12265A>C (NM_001330368.2); c.*39-12265A>C (NM_001351110.2); short protein forms L2163R.
Identifiers: ClinVar variation 1025207 (VCV001025207.11), dbSNP rs779742477, ClinGen allele CA6265957.
Genomic context (GRCh38, chr11:108,321,336, plus strand): 5'-AGTGTCTTTTCTTTTTTGCTACTAGAGTAAAAGAAGTGGAAGAGATGTGTAAGCGCAGCC[T>G]TGAGTCTGTGTATTCGCTCTATCCCACACTTAGCAGGTTGCAGGCCATTGGAGAGCTGGA-3'
Protein context (NP_000042.3, residues 2153-2173): KEVEEMCKRS[Leu2163Arg]ESVYSLYPTL